The following is an entry in ClinVar:

ClinVar aggregate classification (germline): Benign/Likely benign. Review status: criteria provided, multiple submitters, no conflicts (2 of 4 stars). 6 submissions from 6 submitters: Benign (3); Likely benign (3). Last evaluated 2026-02-04.

Allele frequency attached by ClinVar (database versions not stated): 1000 Genomes Project 0.05272; 1000 Genomes Project 30x 0.05309; TOPMed 0.08822; gnomAD 0.09245 and 0.09518; ESP Exome Variant Server 0.09988.

Submissions (6):

Labcorp Genetics (formerly Invitae), Labcorp
Classification: Benign. Last evaluated: 2026-02-04. Review status: criteria provided, single submitter. Criteria: Invitae Variant Classification Sherloc (09022015). Collection method: clinical testing. Allele origin: germline.

Mayo Clinic Laboratories, Mayo Clinic
Classification: Likely benign. Last evaluated: 2025-02-18. Review status: criteria provided, single submitter. Criteria: ACMG Guidelines, 2015. Collection method: clinical testing. Allele origin: germline. Observed: 580 variant alleles.

Blueprint Genetics
Classification: Likely benign. Last evaluated: 2024-11-27. Review status: criteria provided, single submitter. Criteria: ACMG Guidelines, 2015. Collection method: clinical testing. Allele origin: germline.

GeneDx
Classification: Benign. Last evaluated: 2018-11-10. Review status: criteria provided, single submitter. Criteria: GeneDx Variant Classification Process June 2021. Collection method: clinical testing. Allele origin: germline. Affected: yes.
Comment: This variant is associated with the following publications: (PMID: 12614216, 16160007, 32531546)

Breakthrough Genomics
Classification: Likely benign. Review status: criteria provided, single submitter. Criteria: ACMG Guidelines, 2015. Collection method: not provided. Allele origin: germline. Inheritance: Autosomal recessive inheritance. Affected: yes.

PreventionGenetics, part of Exact Sciences
Classification: Benign. Review status: criteria provided, single submitter. Criteria: ACMG Guidelines, 2015. Collection method: clinical testing. Allele origin: germline.

Literature cited by the submitters: PubMed 16160007 (cited by Mayo Clinic Laboratories, Mayo Clinic).

NM_139027.6(ADAMTS13):c.19C>T (p.Arg7Trp)

Gene: ADAMTS13 (ADAM metallopeptidase with thrombospondin type 1 motif 13; plus strand). Cytogenetic location: 9q34.2.
Variant type: single nucleotide variant.
Coding change: c.19C>T on transcript NM_139027.6 (MANE Select); coding-DNA position 19, C replaced by T.
Protein change: p.Arg7Trp; replaces arginine 7 with tryptophan.
Molecular consequence: missense variant.
Genome position (GRCh38, 1-based): chr9:133,422,462, C>T. VCF-style: chr9-133422462-C-T. GRCh37 (hg19) VCF-style: chr9-136287582-C-T.
Other names: c.19C>T, p.Arg7Trp (NM_139025.5, NM_139026.6); c.19C>T (NM_139025.3); short protein forms R7W.
Identifiers: ClinVar variation 262432 (VCV000262432.16), dbSNP rs34024143, ClinGen allele CA10587022.
Genomic context (GRCh38, chr9:133,422,462, plus strand): 5'-CCCTCTCACTCCGCTCCACTCCTCGGGCTGGCTCTCCTGAGGATGCACCAGCGTCACCCC[C>T]GGGCAAGATGCCCTCCCCTCTGTGTGGCCGGAATCCTTGCCTGTGGCTTTCTCCTGGGCT-3'
Protein context (NP_620596.2, residues 1-17): MHQRHP[Arg7Trp]ARCPPLCVAG